The following is an entry in ClinVar:

ClinVar aggregate classification (germline): Benign/Likely benign. Review status: criteria provided, multiple submitters, no conflicts (2 of 4 stars). 8 submissions from 8 submitters: Benign (5); Likely benign (3). Last evaluated 2026-02-04.

Conditions:
Dyskeratosis congenita. Identifiers: Orphanet 1775, MedGen C0265965, MONDO:0015780.
Cerebroretinal microangiopathy with calcifications and cysts 1 (CRMCC1). Identifiers: Orphanet 313838, MedGen C4552029, MONDO:0024564, OMIM 612199.

Allele frequency attached by ClinVar (database versions not stated): 1000 Genomes Project 0.00759; 1000 Genomes Project 30x 0.00796; TOPMed 0.01221; gnomAD exomes 0.01312 and 0.01612; gnomAD 0.01360 and 0.01383; ESP Exome Variant Server 0.01437; ExAC 0.01526.
gnomAD v4.1: 24,205 of 1,529,924 alleles (1.6%); highest among the groups gnomAD compares: Middle Eastern, 5.9%; 254 homozygotes.

Submissions (8):

Labcorp Genetics (formerly Invitae), Labcorp
Classification: Benign for Dyskeratosis congenita. Last evaluated: 2026-02-04. Review status: criteria provided, single submitter. Criteria: Invitae Variant Classification Sherloc (09022015). Collection method: clinical testing. Allele origin: germline.

ARUP Laboratories, Molecular Genetics and Genomics, ARUP Laboratories
Classification: Benign for Cerebroretinal microangiopathy with calcifications and cysts 1. Last evaluated: 2025-07-21. Review status: criteria provided, single submitter. Criteria: ARUP Molecular Germline Variant Investigation Process 2024. Collection method: clinical testing. Allele origin: germline.

Blueprint Genetics
Classification: Likely benign. Last evaluated: 2024-11-27. Review status: criteria provided, single submitter. Criteria: ACMG Guidelines, 2015. Collection method: clinical testing. Allele origin: germline.

Mayo Clinic Laboratories, Mayo Clinic
Classification: Benign. Last evaluated: 2024-01-08. Review status: criteria provided, single submitter. Criteria: ACMG Guidelines, 2015. Collection method: clinical testing. Allele origin: germline. Observed: 50 variant alleles.
Comment: BS1, BS2, BP4

Genome-Nilou Lab
Classification: Benign for Cerebroretinal microangiopathy with calcifications and cysts 1. Last evaluated: 2021-07-30. Review status: criteria provided, single submitter. Criteria: ACMG Guidelines, 2015. Collection method: clinical testing. Allele origin: germline. Affected: no.

GeneDx
Classification: Likely benign. Last evaluated: 2021-07-28. Review status: criteria provided, single submitter. Criteria: GeneDx Variant Classification Process June 2021. Collection method: clinical testing. Allele origin: germline. Affected: yes.

Illumina Laboratory Services, Illumina
Classification: Benign for Dyskeratosis congenita. Last evaluated: 2018-01-13. Review status: criteria provided, single submitter. Criteria: ICSL Variant Classification Criteria 13 December 2019. Collection method: clinical testing. Allele origin: germline.
Comment: This variant was observed in the ICSL laboratory as part of a predisposition screen in an ostensibly healthy population. It had not been previously curated by ICSL or reported in the Human Gene Mutation Database (HGMD: prior to June 1st, 2018), and was therefore a candidate for classification through an automated scoring system. Utilizing variant allele frequency, disease prevalence and penetrance estimates, and inheritance mode, an automated score was calculated to assess if this variant is too frequent to cause the disease. Based on the score and internal cut-off values, a variant classified as benign is not then subjected to further curation. The score for this variant resulted in a classification of benign for this disease.

Breakthrough Genomics
Classification: Likely benign. Review status: criteria provided, single submitter. Criteria: ACMG Guidelines, 2015. Collection method: not provided. Allele origin: germline. Inheritance: Autosomal recessive inheritance. Affected: yes.

NM_025099.6(CTC1):c.2162G>C (p.Gly721Ala)

Gene: CTC1 (CST telomere replication complex component 1; minus strand). Cytogenetic location: 17p13.1.
Variant type: single nucleotide variant.
Coding change: c.2162G>C on transcript NM_025099.6 (MANE Select); coding-DNA position 2162, G replaced by C.
Protein change: p.Gly721Ala; replaces glycine 721 with alanine.
Molecular consequence: missense variant. On other transcripts: non-coding transcript variant (1).
Genome position (GRCh38, 1-based): chr17:8,232,126, C>G on the plus strand (G>C on the coding strand, the complement: CTC1 is on the minus strand). VCF-style: chr17-8232126-C-G. GRCh37 (hg19) VCF-style: chr17-8135444-C-G.
Other names: p.Gly721Ala; short protein forms G721A.
Identifiers: ClinVar variation 241580 (VCV000241580.31), dbSNP rs62620189, ClinGen allele CA8372148.
Genomic context (GRCh38, chr17:8,232,126, plus strand): 5'-AGGGCCTCCTTGTGGCAGAGCAAGAAGAGCCGGCTCTGTCCTAGGTGGGGTCCCTCTGGG[C>G]CGGTGGGATCTGTCTGAGGTGTTGAGGGTGTTGCTGAATGAAGGCAGGGTCTGGGCACAG-3'
Protein context (NP_079375.3, residues 711-731): TPSTPQTDPT[Gly721Ala]PEGPHLGQSR